The following is an entry in ClinVar:

NM_006231.4(POLE):c.3989C>T (p.Pro1330Leu)

Gene: POLE (DNA polymerase epsilon, catalytic subunit; minus strand). Cytogenetic location: 12q24.33.
Variant type: single nucleotide variant.
Coding change: c.3989C>T on transcript NM_006231.4 (MANE Select); coding-DNA position 3989, C replaced by T.
Protein change: p.Pro1330Leu; replaces proline 1330 with leucine.
Molecular consequence: missense variant.
Genome position (GRCh38, 1-based): chr12:132,649,322, G>A on the plus strand (C>T on the coding strand, the complement: POLE is on the minus strand). VCF-style: chr12-132649322-G-A. GRCh37 (hg19) VCF-style: chr12-133225908-G-A.
Other names: short protein forms P1330L.
Identifiers: ClinVar variation 578965 (VCV000578965.16), dbSNP rs1409584745, ClinGen allele CA387384684.
Genomic context (GRCh38, chr12:132,649,322, plus strand): 5'-CCATCAGCAGAGCCACTGCCCTCCCCTTGGATCAAGGTCTATACCTGCACAATCTGCCAC[G>A]GAAGGTCCAGGATGCTGCGGGCAGTTCTTCGCAAGAAGCTCCCCAGCCCCGTGGCAGGAC-3'
Protein context (NP_006222.2, residues 1320-1340): RRTARSILDL[Pro1330Leu]WQIVQISETS

ClinVar aggregate classification (germline): Uncertain significance. Review status: criteria provided, multiple submitters, no conflicts (2 of 4 stars). 4 submissions from 4 submitters: Uncertain significance (4). Last evaluated 2025-09-30.

Conditions:
Hereditary cancer-predisposing syndrome. Also called: Neoplastic Syndromes, Hereditary; Tumor predisposition; Hereditary neoplastic syndrome; Hereditary Cancer Syndrome. Identifiers: Orphanet 140162, MedGen C0027672, MeSH D009386, MONDO:0015356.
Intrauterine growth retardation, metaphyseal dysplasia, adrenal hypoplasia congenita, genital anomalies, and immunodeficiency. Also called: IMAGEI SYNDROME. Identifiers: MedGen C5193036, MONDO:0032684, OMIM 618336.
Colorectal cancer, susceptibility to, 12 (CRCS12). Also called: COLORECTAL CANCER, SUSCEPTIBILITY TO, ON CHROMOSOME 12q24. Identifiers: Orphanet 220460, MedGen C3554460, MONDO:0014038, OMIM 615083.
Facial dysmorphism-immunodeficiency-livedo-short stature syndrome. Also called: Facial dysmorphism, immunodeficiency, livedo, and short stature; FILS syndrome. Identifiers: Orphanet 352712, MedGen C3554576, MONDO:0014058, OMIM 615139.

Allele frequency attached by ClinVar (database versions not stated): TOPMed below 0.00001; gnomAD exomes 0.00001 and 0.00002.
gnomAD v4.1: 13 of 1,613,600 alleles (0.00081%); highest among the groups gnomAD compares: East Asian, 0.011%; no homozygotes.

Submissions (4):

Labcorp Genetics (formerly Invitae), Labcorp
Classification: Uncertain significance. Last evaluated: 2025-09-30. Review status: criteria provided, single submitter. Criteria: Invitae Variant Classification Sherloc (09022015). Collection method: clinical testing. Allele origin: germline.
Comment: This sequence change replaces proline, which is neutral and non-polar, with leucine, which is neutral and non-polar, at codon 1330 of the POLE protein (p.Pro1330Leu). This variant is present in population databases (no rsID available, gnomAD 0.02%). This variant has not been reported in the literature in individuals affected with POLE-related conditions. ClinVar contains an entry for this variant (Variation ID: 578965). Invitae Evidence Modeling of protein sequence and biophysical properties (such as structural, functional, and spatial information, amino acid conservation, physicochemical variation, residue mobility, and thermodynamic stability) indicates that this missense variant is not expected to disrupt POLE protein function with a negative predictive value of 80%. In summary, the available evidence is currently insufficient to determine the role of this variant in disease. Therefore, it has been classified as a Variant of Uncertain Significance.

Ambry Genetics
Classification: Uncertain significance for Hereditary cancer-predisposing syndrome. Last evaluated: 2025-07-13. Review status: criteria provided, single submitter. Criteria: Ambry Variant Classification Scheme 2023. Collection method: clinical testing. Allele origin: germline.
Comment: The p.P1330L variant (also known as c.3989C>T), located in coding exon 31 of the POLE gene, results from a C to T substitution at nucleotide position 3989. The proline at codon 1330 is replaced by leucine, an amino acid with similar properties. This amino acid position is conserved. In addition, the in silico prediction for this alteration is inconclusive. Since supporting evidence is limited at this time, the clinical significance of this alteration remains unclear.

GeneDx
Classification: Uncertain significance. Last evaluated: 2023-04-04. Review status: criteria provided, single submitter. Criteria: GeneDx Variant Classification Process June 2021. Collection method: clinical testing. Allele origin: germline. Affected: yes.
Comment: Identified as a somatic variant in one individuals gastric tumor in published literature (Wang et al., 2014); Not observed at significant frequency in large population cohorts (gnomAD); In silico analysis supports that this missense variant has a deleterious effect on protein structure/function; This variant is associated with the following publications: (PMID: 24816253)

Fulgent Genetics
Classification: Uncertain significance for Colorectal cancer, susceptibility to, 12; Facial dysmorphism-immunodeficiency-livedo-short stature syndrome; Intrauterine growth retardation, metaphyseal dysplasia, adrenal hypoplasia congenita, genital anomalies, and immunodeficiency. Last evaluated: 2021-08-12. Review status: criteria provided, single submitter. Criteria: ACMG Guidelines, 2015. Collection method: clinical testing. Allele origin: unknown.